The following is an entry in ClinVar:

ClinVar aggregate classification (germline): Uncertain significance (0 of 4 stars; one submission).

Conditions:
Keratoconus (KC). Identifiers: MedGen C0022578, MeSH D007640, MONDO:0015486, HP:0000563.

Submission:

Refractive Surgery Department, Bright Eye Hospital
Classification: Uncertain significance for Keratoconus. Last evaluated: 2024-05-10. Review status: no assertion criteria provided. Collection method: clinical testing. Allele origin: inherited. Affected: yes. Observed: 2 variant alleles, 2 heterozygotes.
Comment: The DOP1B gene is a member of the Dopey gene family31 and has been investigated in neuroscience because of its location on chromosome 21, the same region as the mutation of Down syndrome. DOP1B has been identified as a candidate gene for Peters anomaly (PA), and can be detected in the ocular tissues of a PA patient32 such as the cornea, sclera, iris, lens, and retina. DOP1B is involved in the process of cell development in the eye.33, 34 In this study, a heterozygous frameshift mutation c. 1226_1227del (p.Gln410Glufs*17) was identified in exon 10 of the DOP1B gene. This frameshift mutation occurred in the coding region, which was deletion of nucleotide CC (cytosine) at positions 1226 and 1227. This caused an amino acid change at residue 410, i.e., glutamine changed to glutamic acid. Consequently, an early stop codon was induced after a frameshift of 17 amino acids, whereas a nonsense mutation causes problems of transcription, no products, or degradation. Thus, gene function is impaired.

NM_001320714.2(DOP1B):c.1227_1228del (p.Gln410fs)

Gene: DOP1B (DOP1 leucine zipper like protein B; plus strand). Cytogenetic location: 21q22.12.
Variant type: Deletion.
Coding change: c.1227_1228del on transcript NM_001320714.2 (MANE Select); coding-DNA positions 1227 to 1228, 2 bases deleted (CC; older notation c.1227_1228delCC).
Protein change: p.Gln410fs; shifts the reading frame from glutamine 410.
Molecular consequence: frameshift variant.
Genome position (GRCh38, 1-based): chr21:36,219,469-36,219,470, CC deleted; deleting any 2 consecutive bases within chr21:36,219,468-36,219,470 gives the same sequence; the c. name uses the placement nearest the transcript's 3' end. VCF-style (leftmost placement, unchanged base first): chr21-36219467-ACC-A. GRCh37 (hg19) VCF-style: chr21-37591765-ACC-A.
Other names: c.1227_1228del, p.Gln410fs (NM_005128.4); c.1226_1227del (NM_001320714.2); short protein forms Q410fs.
Identifiers: ClinVar variation 2445998 (VCV002445998.3), dbSNP rs2516768614, ClinGen allele CA2580098641.